The following is an entry in ClinVar:

NM_004208.4(AIFM1):c.74T>G (p.Val25Gly)

Genes: AIFM1 (apoptosis inducing factor mitochondria associated 1; minus strand), RAB33A (RAB33A, member RAS oncogene family; plus strand), LOC130068679 (ATAC-STARR-seq lymphoblastoid active region 29939; plus strand). Cytogenetic location: Xq26.1.
Variant type: single nucleotide variant.
Coding change: c.74T>G on transcript NM_004208.4 (MANE Select); coding-DNA position 74, T replaced by G.
Protein change: p.Val25Gly; replaces valine 25 with glycine.
Molecular consequence: missense variant. On other transcripts: non-coding transcript variant (1).
Genome position (GRCh38, 1-based): chrX:130,165,583, A>C on the plus strand (T>G on the coding strand, the complement: AIFM1 is on the minus strand). VCF-style: chrX-130165583-A-C. GRCh37 (hg19) VCF-style: chrX-129299557-A-C.
Other names: c.74T>G, p.Val25Gly (NM_001130847.4, NM_145812.3); short protein forms V25G.
Identifiers: ClinVar variation 1503265 (VCV001503265.6), dbSNP rs912356394, ClinGen allele CA414565045.
Genomic context (GRCh38, chrX:130,165,583, plus strand): 5'-TGGAGGTTGCCTGGAATGGGTCAGTCACCTGGGAGCCGGTTCCTCTGCCTCGGGCTTCGG[A>C]CGCACACGGTCCGCACCAAGGGCACCAGCTTCTGCTTCAAAGCACCCGCCGCCAGGCCTC-3'
Protein context (NP_004199.1, residues 15-35): KLVPLVRTVC[Val25Gly]RSPRQRNRLP

ClinVar aggregate classification (germline): Uncertain significance (1 of 4 stars; one submission).

Conditions:
Combined oxidative phosphorylation deficiency. Identifiers: MedGen C4540031, MONDO:0000732.
Charcot-Marie-Tooth Neuropathy X. Identifiers: MedGen CN118851.

Submission:

Labcorp Genetics (formerly Invitae), Labcorp
Classification: Uncertain significance for Charcot-Marie-Tooth Neuropathy X; Combined oxidative phosphorylation deficiency. Last evaluated: 2024-12-23. Review status: criteria provided, single submitter. Criteria: Invitae Variant Classification Sherloc (09022015). Collection method: clinical testing. Allele origin: germline.
Comment: This sequence change replaces valine, which is neutral and non-polar, with glycine, which is neutral and non-polar, at codon 25 of the AIFM1 protein (p.Val25Gly). This variant is not present in population databases (gnomAD no frequency). This variant has not been reported in the literature in individuals affected with AIFM1-related conditions. ClinVar contains an entry for this variant (Variation ID: 1503265). Invitae Evidence Modeling of protein sequence and biophysical properties (such as structural, functional, and spatial information, amino acid conservation, physicochemical variation, residue mobility, and thermodynamic stability) indicates that this missense variant is not expected to disrupt AIFM1 protein function with a negative predictive value of 95%. In summary, the available evidence is currently insufficient to determine the role of this variant in disease. Therefore, it has been classified as a Variant of Uncertain Significance.